The following is an entry in ClinVar:

NM_000263.4(NAGLU):c.603G>A (p.Trp201Ter)

Gene: NAGLU (N-acetyl-alpha-glucosaminidase; plus strand). Cytogenetic location: 17q21.2.
Variant type: single nucleotide variant.
Coding change: c.603G>A on transcript NM_000263.4 (MANE Select); coding-DNA position 603, G replaced by A.
Protein change: p.Trp201Ter; replaces tryptophan 201 with a stop codon.
Molecular consequence: nonsense.
Genome position (GRCh38, 1-based): chr17:42,538,410, G>A. VCF-style: chr17-42538410-G-A. GRCh37 (hg19) VCF-style: chr17-40690428-G-A.
Other names: short protein forms W201*.
Identifiers: ClinVar variation 1076452 (VCV001076452.7), dbSNP rs2143086665, ClinGen allele CA399598506.

ClinVar aggregate classification (germline): Pathogenic (1 of 4 stars; one submission).

Conditions:
Charcot-Marie-Tooth disease axonal type 2V. Also called: CHARCOT-MARIE-TOOTH NEUROPATHY, TYPE 2V; CHARCOT-MARIE-TOOTH DISEASE, AXONAL, AUTOSOMAL DOMINANT, TYPE 2V. Identifiers: Orphanet 447964, MedGen C5569050, MONDO:0014665, OMIM 616491.
Mucopolysaccharidosis, MPS-III-B (MPS3B). Also called: MPS III B; Mucopolysaccharidosis type IIIB (Sanfilippo B); N-ACETYL-ALPHA-D-GLUCOSAMINIDASE DEFICIENCY; NAGLU DEFICIENCY; SANFILIPPO SYNDROME B; MUCOPOLYSACCHARIDOSIS, TYPE IIIB. Identifiers: Orphanet 79270, MedGen C0086648, MONDO:0009656, OMIM 252920.

Submission:

Labcorp Genetics (formerly Invitae), Labcorp
Classification: Pathogenic for Charcot-Marie-Tooth disease axonal type 2V; Mucopolysaccharidosis, MPS-III-B. Last evaluated: 2020-10-20. Review status: criteria provided, single submitter. Criteria: Invitae Variant Classification Sherloc (09022015). Collection method: clinical testing. Allele origin: germline.
Comment: This variant has not been reported in the literature in individuals with NAGLU-related conditions. For these reasons, this variant has been classified as Pathogenic. This variant is not present in population databases (ExAC no frequency). This sequence change creates a premature translational stop signal (p.Trp201*) in the NAGLU gene. It is expected to result in an absent or disrupted protein product. Loss-of-function variants in NAGLU are known to be pathogenic (PMID: 9832037, 10094189, 16151907).

Literature cited by the submitters: PubMed 9832037; PubMed 10094189; PubMed 16151907.